The following is an entry in ClinVar:

NM_000091.5(COL4A3):c.3095T>A (p.Leu1032Ter)

Genes: COL4A3 (collagen type IV alpha 3 chain; plus strand), MFF-DT (MFF divergent transcript; minus strand). Cytogenetic location: 2q36.3.
Variant type: single nucleotide variant.
Coding change: c.3095T>A on transcript NM_000091.5 (MANE Select); coding-DNA position 3095, T replaced by A.
Protein change: p.Leu1032Ter; replaces leucine 1032 with a stop codon.
Molecular consequence: nonsense.
Genome position (GRCh38, 1-based): chr2:227,290,771, T>A. VCF-style: chr2-227290771-T-A. GRCh37 (hg19) VCF-style: chr2-228155487-T-A.
Other names: short protein forms L1032*.
Identifiers: ClinVar variation 4817238 (VCV004817238.1).

ClinVar aggregate classification (germline): Pathogenic (1 of 4 stars; one submission).

Conditions:
Alport syndrome. Also called: Hemorrhagic familial nephritis; Hemorrhagic hereditary nephritis; Congenital hereditary hematuria. Identifiers: Orphanet 63, MedGen C1567741, MONDO:0018965.

gnomAD v4.1: 3 of 1,613,574 alleles (0.00019%); highest among the groups gnomAD compares: Non-Finnish European, 0.00025%; no homozygotes.

Submission:

Natera, Inc.
Classification: Pathogenic for Alport syndrome. Last evaluated: 2025-09-17. Review status: criteria provided, single submitter. Criteria: Natera Variant Classification Schema (03/2026). Collection method: clinical testing. Allele origin: germline.
Comment: The c.3095T>A variant in COL4A3 is a nonsense variant predicted to introduce a stop codon at amino acid 1032. This variant is expected to result in nonsense mediated decay, truncation, or a dysfunctional protein product. This variant is rare in the general population with a frequency below the threshold expected for the associated phenotype(s). This variant has been observed in one or more individuals affected with the associated recessive disease, as either homozygous or compound heterozygous with a second variant (PMID: 35485766). Given the available evidence, this variant is classified as Pathogenic.

Literature cited by the submitters: PubMed 35485766.